The following is an entry in ClinVar:

ClinVar aggregate classification (germline): Pathogenic (1 of 4 stars; one submission).

Conditions:
Autosomal recessive Alport syndrome (ATS2). Also called: ALPORT SYNDROME 2, AUTOSOMAL RECESSIVE; COL4A3-Related Nephropathy; COL4A4 Alport Syndrome and Thin Basement Membrane Nephropathy; Alport syndrome type 2. Identifiers: Orphanet 63, Orphanet 88919, MedGen C4746745, MONDO:0008762, OMIM 203780.

Submission:

MVZ Medizinische Genetik Mainz
Classification: Pathogenic for Autosomal recessive Alport syndrome. Last evaluated: 2024-07-12. Review status: criteria provided, single submitter. Criteria: UK Practice Guidelines For Variant Classification V4 01 2020. Collection method: clinical testing. Allele origin: germline. Inheritance: Autosomal dominant inheritance. Affected: yes. Observed: 1 variant allele.
Comment: ACMG Criteria: PVS1,PM2_SUP,PP4

NM_000092.5(COL4A4):c.2169del (p.Arg724fs)

Gene: COL4A4 (collagen type IV alpha 4 chain; minus strand). Cytogenetic location: 2q36.3.
Variant type: Deletion.
Coding change: c.2169del on transcript NM_000092.5 (MANE Select); coding-DNA position 2169, one base deleted (T; older notation c.2169delT).
Protein change: p.Arg724fs; shifts the reading frame from arginine 724.
Molecular consequence: frameshift variant.
Genome position (GRCh38, 1-based): chr2:227,059,619, A deleted on the plus strand (T on the coding strand, the reverse complement: COL4A4 is on the minus strand); the first of 4 consecutive A bases (chr2:227,059,619-227,059,622); deleting any one gives the same sequence. VCF-style (leftmost placement, unchanged base first): chr2-227059618-GA-G. GRCh37 (hg19) VCF-style: chr2-227924334-GA-G.
Other names: short protein forms R724fs.
Identifiers: ClinVar variation 3256898 (VCV003256898.1).